The following is an entry in ClinVar:

ClinVar aggregate classification (germline): Uncertain significance. Review status: criteria provided, multiple submitters, no conflicts (2 of 4 stars). 2 submissions from 2 submitters: Uncertain significance (2). Last evaluated 2025-07-31.

Conditions:
NR2F1-related disorder. Also called: NR2F1-related condition.

Submissions (2):

PreventionGenetics, part of Exact Sciences
Classification: Uncertain significance for NR2F1-related condition. Last evaluated: 2025-07-31. Review status: criteria provided, single submitter. Criteria: ACMG Guidelines, 2015. Collection method: clinical testing. Allele origin: germline.
Comment: The NR2F1 c.1210C>T variant is predicted to result in the amino acid substitution p.Arg404Cys. To our knowledge, this variant has not been reported in the literature. This variant is absent in a large population database (gnomAD), indicating this variant is rare. At this time, the clinical significance of this variant is uncertain due to the absence of conclusive functional and genetic evidence.

CeGaT Center for Human Genetics Tuebingen
Classification: Uncertain significance. Last evaluated: 2025-03-01. Review status: criteria provided, single submitter. Criteria: CeGaT Center For Human Genetics Tuebingen Variant Classification Criteria Version 2. Collection method: clinical testing. Allele origin: germline. Affected: yes. Observed: 1 variant allele.
Comment: NR2F1: PP2

NM_005654.6(NR2F1):c.1210C>T (p.Arg404Cys)

Gene: NR2F1 (nuclear receptor subfamily 2 group F member 1; plus strand). Cytogenetic location: 5q15.
Variant type: single nucleotide variant.
Coding change: c.1210C>T on transcript NM_005654.6 (MANE Select); coding-DNA position 1210, C replaced by T.
Protein change: p.Arg404Cys; replaces arginine 404 with cysteine.
Molecular consequence: missense variant.
Genome position (GRCh38, 1-based): chr5:93,593,780, C>T. VCF-style: chr5-93593780-C-T. GRCh37 (hg19) VCF-style: chr5-92929486-C-T.
Other names: c.760C>T, p.Arg254Cys (NM_001410754.1); c.1210C>T (NM_005654.5); short protein forms R254C, R404C.
Identifiers: ClinVar variation 3778524 (VCV003778524.8).